The following is an entry in ClinVar:

NM_024649.5(BBS1):c.1340-2A>G

Genes: BBS1 (Bardet-Biedl syndrome 1; plus strand), ZDHHC24 (zDHHC palmitoyltransferase 24; minus strand). Cytogenetic location: 11q13.2.
Variant type: single nucleotide variant.
Coding change: c.1340-2A>G on transcript NM_024649.5 (MANE Select); the canonical splice acceptor site of the intron before coding-DNA position 1340, A replaced by G.
Molecular consequence: splice acceptor variant. On other transcripts: intron variant (1).
Genome position (GRCh38, 1-based): chr11:66,529,817, A>G. VCF-style: chr11-66529817-A-G. GRCh37 (hg19) VCF-style: chr11-66297288-A-G.
Other names: NM_024649.4:IVS13-2A>G; c.560-329T>C (NM_001348571.2).
Identifiers: ClinVar variation 21706 (VCV000021706.9), dbSNP rs113994180, ClinGen allele CA342396.

ClinVar aggregate classification (germline): Conflicting classifications of pathogenicity. Review status: criteria provided, conflicting classifications (1 of 4 stars). 3 submissions from 3 submitters: Likely pathogenic (1); Uncertain significance (1). 1 of the submissions does not count toward it. Last evaluated 2024-03-25.

Conditions:
Bardet-Biedl syndrome (BBS). Identifiers: Orphanet 110, MedGen C0752166, MONDO:0015229.
Bardet-Biedl syndrome 1 (BBS1). Identifiers: MedGen C2936862, MONDO:0008854, OMIM 209900. Disease mechanism: loss of function.

Submissions (3):

Genomic Medicine Center of Excellence, King Faisal Specialist Hospital and Research Centre
Classification: Uncertain significance for Bardet-Biedl syndrome 1. Last evaluated: 2024-03-25. Review status: criteria provided, single submitter. Criteria: ACMG Guidelines, 2015. Collection method: clinical testing. Allele origin: germline.

SN ONGC Dept of Genetics and Molecular biology Vision Research Foundation
Classification: Likely pathogenic for Bardet-Biedl syndrome. Last evaluated: 2023-06-02. Review status: criteria provided, single submitter. Criteria: ACMG Guidelines, 2015. Collection method: research. Allele origin: biparental. Affected: yes.

GeneReviews
Classification: Pathogenic for Bardet-Biedl Syndrome. Last evaluated: 2009-10-13. Review status: no assertion criteria provided. Collection method: curation. Allele origin: unknown. Not counted in ClinVar's aggregate classification.
ClinVar note: Converted during submission from pathologic to Pathogenic.

Literature cited by the submitters: DOI 10.1111/cge.14398 (cited by SN ONGC Dept of Genetics and Molecular biology Vision Research Foundation).